The following is an entry in ClinVar:

ClinVar aggregate classification (germline): Conflicting classifications of pathogenicity. Review status: criteria provided, conflicting classifications (1 of 4 stars). 5 submissions from 5 submitters: Uncertain significance (2); Likely benign (3). Last evaluated 2025-10-09.

Conditions:
Tuberous sclerosis 2 (TSC2). Identifiers: Orphanet 805, MedGen C1860707, MONDO:0013199, OMIM 613254.
Tuberous sclerosis syndrome (TSC). Also called: Tuberous Sclerosis Complex; Tuberous sclerosis. Identifiers: Orphanet 805, MedGen C0041341, MONDO:0001734.

Allele frequency attached by ClinVar (database versions not stated): gnomAD 0.00001 and 0.00002; gnomAD exomes 0.00001; TOPMed 0.00001; ExAC 0.00007; 1000 Genomes Project 30x 0.00016; 1000 Genomes Project 0.00020.
gnomAD v4.1: 51 of 1,566,710 alleles (0.0033%); highest among the groups gnomAD compares: East Asian, 0.12%; no homozygotes.

Submissions (5):

Labcorp Genetics (formerly Invitae), Labcorp
Classification: Likely benign for Tuberous sclerosis 2. Last evaluated: 2025-10-09. Review status: criteria provided, single submitter. Criteria: Invitae Variant Classification Sherloc (09022015). Collection method: clinical testing. Allele origin: germline.

Women's Health and Genetics/Laboratory Corporation of America, LabCorp
Classification: Likely benign. Last evaluated: 2025-09-02. Review status: criteria provided, single submitter. Criteria: LabCorp Variant Classification Summary - May 2015. Collection method: clinical testing. Allele origin: germline.

Illumina Laboratory Services, Illumina
Classification: Uncertain significance for Tuberous sclerosis syndrome. Last evaluated: 2018-01-13. Review status: criteria provided, single submitter. Criteria: ICSL Variant Classification Criteria 13 December 2019. Collection method: clinical testing. Allele origin: germline.

Center for Pediatric Genomic Medicine, Children's Mercy Hospital and Clinics
Classification: Uncertain significance. Last evaluated: 2017-07-06. Review status: criteria provided, single submitter. Criteria: ACMG Guidelines, 2015. Collection method: clinical testing. Allele origin: germline.

GeneDx
Classification: Likely benign. Last evaluated: 2017-05-26. Review status: criteria provided, single submitter. Criteria: GeneDx Variant Classification (06012015). Collection method: clinical testing. Allele origin: germline. Affected: yes.
Comment: This variant is considered likely benign or benign based on one or more of the following criteria: it is a conservative change, it occurs at a poorly conserved position in the protein, it is predicted to be benign by multiple in silico algorithms, and/or has population frequency not consistent with disease.

NM_000548.5(TSC2):c.3397+15C>T

Gene: TSC2 (TSC complex subunit 2; plus strand). Cytogenetic location: 16p13.3.
Variant type: single nucleotide variant.
Coding change: c.3397+15C>T on transcript NM_000548.5 (MANE Select); 15 bases into the intron after coding-DNA position 3397, C replaced by T.
Molecular consequence: intron variant.
Genome position (GRCh38, 1-based): chr16:2,079,684, C>T. VCF-style: chr16-2079684-C-T. GRCh37 (hg19) VCF-style: chr16-2129685-C-T.
Other names: c.3397+15C>T (NM_001114382.3); c.3268+15C>T (NM_021055.3, NM_001370405.1, NM_001363528.2); c.3265+15C>T (NM_001370404.1, NM_001077183.3); c.3157+15C>T (NM_001318827.2); c.2665+15C>T (NM_001318831.2); c.3121+15C>T (NM_001318829.2); c.3298+15C>T (NM_001318832.2).
Identifiers: ClinVar variation 445392 (VCV000445392.14), dbSNP rs202246408, ClinGen allele CA046526.